The following is an entry in ClinVar:

NM_018006.5(TRMU):c.806dup (p.Asn269fs)

Gene: TRMU (tRNA mitochondrial 2-thiouridylase; plus strand). Cytogenetic location: 22q13.31.
Variant type: Duplication.
Coding change: c.806dup on transcript NM_018006.5 (MANE Select); coding-DNA position 806, one base duplicated (A; older notation c.806dupA).
Protein change: p.Asn269fs; shifts the reading frame from asparagine 269.
Molecular consequence: frameshift variant. On other transcripts: non-coding transcript variant (2).
Genome position (GRCh38, 1-based): chr22:46,353,800, A duplicated; the last of 3 consecutive A bases (chr22:46,353,798-46,353,800); duplicating any one gives the same sequence. VCF-style (leftmost placement, unchanged base first): chr22-46353797-C-CA. GRCh37 (hg19) VCF-style: chr22-46749694-C-CA.
Other names: p.Asn269Lysfs*20; c.*250dup (NM_001008568.2); c.*344dup (NM_001008570.2); c.464dup, p.Asn155fs (NM_001282782.2); c.386dup, p.Asn129fs (NM_001282783.2, NM_001282784.2); c.806dup, p.Asn269fs (NM_001282785.2); short protein forms N269fs, N129fs, N155fs.
Identifiers: ClinVar variation 2769858 (VCV002769858.4), dbSNP rs1206163048, ClinGen allele CA639645388.
Genomic context (GRCh38, chr22:46,353,797, plus strand): 5'-CAGCCTCATGGAGAAACTGTCTTTCTGTAGGTTGGTTCCTGTATACCTTGGGCCAGAGAG[C>CA]AAACATAGGTGGCCTGAGAGAGCCCTGGTACGTGGTGGAGAAGGACAGCGTCAAGGGTGA-3'

ClinVar aggregate classification (germline): Pathogenic/Likely pathogenic. Review status: criteria provided, multiple submitters, no conflicts (2 of 4 stars). 2 submissions from 2 submitters: Pathogenic (1); Likely pathogenic (1). Last evaluated 2025-10-21.

Submissions (2):

Mayo Clinic Laboratories, Mayo Clinic
Classification: Likely pathogenic. Last evaluated: 2025-10-21. Review status: criteria provided, single submitter. Criteria: ACMG Guidelines, 2015. Collection method: clinical testing. Allele origin: germline. Observed: 1 variant allele.
Comment: PM2_supporting, PVS1

Labcorp Genetics (formerly Invitae), Labcorp
Classification: Pathogenic. Last evaluated: 2023-10-18. Review status: criteria provided, single submitter. Criteria: Invitae Variant Classification Sherloc (09022015). Collection method: clinical testing. Allele origin: germline.
Comment: This sequence change creates a premature translational stop signal (p.Asn269Lysfs*20) in the TRMU gene. It is expected to result in an absent or disrupted protein product. Loss-of-function variants in TRMU are known to be pathogenic (PMID: 19732863, 23625533). This variant is present in population databases (no rsID available, gnomAD 0.0009%). This variant has not been reported in the literature in individuals affected with TRMU-related conditions. For these reasons, this variant has been classified as Pathogenic.

Literature cited by the submitters: PubMed 23625533 (cited by Mayo Clinic Laboratories, Mayo Clinic and Labcorp Genetics (formerly Invitae), Labcorp); PubMed 19732863 (cited by Labcorp Genetics (formerly Invitae), Labcorp).